The following is an entry in ClinVar:

NM_000021.4(PSEN1):c.1148T>G (p.Leu383Trp)

Gene: PSEN1 (presenilin 1; plus strand). Cytogenetic location: 14q24.2.
Variant type: single nucleotide variant.
Coding change: c.1148T>G on transcript NM_000021.4 (MANE Select); coding-DNA position 1148, T replaced by G.
Protein change: p.Leu383Trp; replaces leucine 383 with tryptophan.
Molecular consequence: missense variant.
Genome position (GRCh38, 1-based): chr14:73,217,144, T>G. VCF-style: chr14-73217144-T-G. GRCh37 (hg19) VCF-style: chr14-73683852-T-G.
Other names: c.1136T>G, p.Leu379Trp (NM_007318.3); short protein forms L383W, L379W.
Identifiers: ClinVar variation 574947 (VCV000574947.9), dbSNP rs1566656647, ClinGen allele CA390305731.

ClinVar aggregate classification (germline): Uncertain significance (1 of 4 stars; one submission).

Conditions:
Alzheimer disease 3 (AD3). Also called: ALZHEIMER DISEASE, FAMILIAL, 3. Identifiers: Orphanet 1020, MedGen C1843013, MONDO:0011913, OMIM 607822.
Acne inversa, familial, 3 (ACNINV3). Identifiers: MedGen C3151038, MONDO:0013398, OMIM 613737.
Pick disease. Also called: LOBAR ATROPHY OF BRAIN; PICK DISEASE OF BRAIN; Pick's disease; DEMENTIA WITH LOBAR ATROPHY AND NEURONAL CYTOPLASMIC INCLUSIONS; Pick Disease of the Brain. Identifiers: Orphanet 282, MedGen C0236642, MONDO:0008243, OMIM 172700.
Frontotemporal dementia (FTD1). Also called: MULTIPLE SYSTEM TAUOPATHY WITH PRESENILE DEMENTIA; Frontotemporal lobe dementia (FLDEM); Dementia, frontotemporal, with or without parkinsonism; Frontotemporal Dementia with Parkinsonism-17 (FTDP-17); WILHELMSEN-LYNCH DISEASE; FRONTOTEMPORAL LOBAR DEGENERATION WITH TAU INCLUSIONS. Identifiers: Orphanet 282, MedGen C0338451, MONDO:0017276, OMIM 600274, HP:0002145.

Submission:

Labcorp Genetics (formerly Invitae), Labcorp
Classification: Uncertain significance for Alzheimer disease 3; Pick disease; Acne inversa, familial, 3; Frontotemporal dementia. Last evaluated: 2017-11-24. Review status: criteria provided, single submitter. Criteria: Invitae Variant Classification Sherloc (09022015). Collection method: clinical testing. Allele origin: germline.
Comment: This sequence change replaces leucine with tryptophan at codon 383 of the PSEN1 protein (p.Leu383Trp). The leucine residue is highly conserved and there is a small physicochemical difference between leucine and tryptophan. In summary, the available evidence is currently insufficient to determines the role of this variant in disease. Therefore, it has been classified as a Variant of Uncertain Significance. Algorithms developed to predict the effect of missense changes on protein structure and function (SIFT, PolyPhen-2, Align-GVGD) all suggest that this variant is likely to be disruptive, but these predictions have not been confirmed by published functional studies and their clinical significance is uncertain. This variant has been reported in an individual with autosomal dominant early-onset Alzheimer disease (PMID: 28350801). This variant is not present in population databases (ExAC no frequency).

Literature cited by the submitters: PubMed 28350801.